The following is an entry in ClinVar:

ClinVar aggregate classification (germline): Uncertain significance (1 of 4 stars; one submission).

Submission:

CeGaT Center for Human Genetics Tuebingen
Classification: Uncertain significance. Last evaluated: 2025-05-01. Review status: criteria provided, single submitter. Criteria: CeGaT Center For Human Genetics Tuebingen Variant Classification Criteria Version 2. Collection method: clinical testing. Allele origin: germline. Affected: yes. Observed: 1 variant allele.
Comment: MACF1: PM2, PM4

NM_001394062.1(MACF1):c.8656_8661del (p.Pro2886_Tyr2887del)

Gene: MACF1 (microtubule actin crosslinking factor 1; plus strand). Cytogenetic location: 1p34.3.
Variant type: Deletion.
Coding change: c.8656_8661del on transcript NM_001394062.1 (MANE Select); coding-DNA positions 8656 to 8661, 6 bases deleted (CCTTAC; older notation c.8656_8661delCCTTAC).
Protein change: p.Pro2886_Tyr2887del.
Molecular consequence: inframe deletion. On other transcripts: intron variant (1).
Genome position (GRCh38, 1-based): chr1:39,335,244-39,335,249, CCTTAC deleted; deleting any 6 consecutive bases within chr1:39,335,242-39,335,249 gives the same sequence; the c. name uses the placement nearest the transcript's 3' end. VCF-style (leftmost placement, unchanged base first): chr1-39335241-CACCCTT-C. GRCh37 (hg19) VCF-style: chr1-39800913-CACCCTT-C.
Other names: c.4629+7891_4629+7896del (NM_012090.5).
Identifiers: ClinVar variation 3906029 (VCV003906029.10).